The following is an entry in ClinVar:

ClinVar aggregate classification (germline): Uncertain significance (1 of 4 stars; one submission).

Submission:

GeneDx
Classification: Uncertain significance. Last evaluated: 2024-07-09. Review status: criteria provided, single submitter. Criteria: GeneDx Variant Classification Process June 2021. Collection method: clinical testing. Allele origin: germline. Affected: yes.
Comment: Not observed at significant frequency in large population cohorts (gnomAD); In silico analysis supports that this missense variant has a deleterious effect on protein structure/function; Has not been previously published as pathogenic or benign to our knowledge; Variants in candidate genes are classified as variants of uncertain significance in accordance with ACMG guidelines (PMID: 25741868)

NM_001286445.3(RIPOR2):c.1166C>T (p.Ser389Leu)

Gene: RIPOR2 (RHO family interacting cell polarization regulator 2; minus strand). Cytogenetic location: 6p22.3.
Variant type: single nucleotide variant.
Coding change: c.1166C>T on transcript NM_001286445.3 (MANE Select); coding-DNA position 1166, C replaced by T.
Protein change: p.Ser389Leu; replaces serine 389 with leucine.
Molecular consequence: missense variant.
Genome position (GRCh38, 1-based): chr6:24,843,553, G>A on the plus strand (C>T on the coding strand, the complement: RIPOR2 is on the minus strand). VCF-style: chr6-24843553-G-A. GRCh37 (hg19) VCF-style: chr6-24843781-G-A.
Other names: c.1181C>T, p.Ser394Leu (NM_001286446.3); c.1079C>T, p.Ser360Leu (NM_001286447.2, NM_001346031.2, NM_001346032.2 and 1 more transcripts); c.1229C>T, p.Ser410Leu (NM_014722.5); short protein forms S360L, S389L, S410L, S394L.
Identifiers: ClinVar variation 3572556 (VCV003572556.1).